The following is an entry in ClinVar:

NM_006785.4(MALT1):c.919A>C (p.Ile307Leu)

Gene: MALT1 (MALT1 paracaspase; plus strand). Cytogenetic location: 18q21.32.
Variant type: single nucleotide variant.
Coding change: c.919A>C on transcript NM_006785.4 (MANE Select); coding-DNA position 919, A replaced by C.
Protein change: p.Ile307Leu; replaces isoleucine 307 with leucine.
Molecular consequence: missense variant.
Genome position (GRCh38, 1-based): chr18:58,710,066, A>C. VCF-style: chr18-58710066-A-C. GRCh37 (hg19) VCF-style: chr18-56377298-A-C.
Other names: c.919A>C, p.Ile307Leu (NM_173844.3); short protein forms I307L.
Identifiers: ClinVar variation 1383146 (VCV001383146.6), dbSNP rs1259791366, ClinGen allele CA402573689.

ClinVar aggregate classification (germline): Uncertain significance (1 of 4 stars; one submission).

Conditions:
Combined immunodeficiency due to MALT1 deficiency. Also called: Immunodeficiency 12. Identifiers: Orphanet 397964, MedGen C3809583, MONDO:0014197, OMIM 615468.

Allele frequency attached by ClinVar (database versions not stated): TOPMed below 0.00001; gnomAD exomes 0.00001.
gnomAD v4.1: 3 of 1,598,198 alleles (0.00019%); highest among the groups gnomAD compares: Admixed American, 0.005%; no homozygotes.

Submission:

Labcorp Genetics (formerly Invitae), Labcorp
Classification: Uncertain significance for Combined immunodeficiency due to MALT1 deficiency. Last evaluated: 2021-08-16. Review status: criteria provided, single submitter. Criteria: Invitae Variant Classification Sherloc (09022015). Collection method: clinical testing. Allele origin: germline.
Comment: This sequence change replaces isoleucine with leucine at codon 307 of the MALT1 protein (p.Ile307Leu). The isoleucine residue is moderately conserved and there is a small physicochemical difference between isoleucine and leucine. This variant is not present in population databases (ExAC no frequency). This variant has not been reported in the literature in individuals affected with MALT1-related conditions. Algorithms developed to predict the effect of missense changes on protein structure and function (SIFT, PolyPhen-2, Align-GVGD) all suggest that this variant is likely to be tolerated. In summary, the available evidence is currently insufficient to determine the role of this variant in disease. Therefore, it has been classified as a Variant of Uncertain Significance.